The following is an entry in ClinVar:

NM_005422.4(TECTA):c.5072G>A (p.Cys1691Tyr)

Genes: TBCEL-TECTA (TBCEL-TECTA readthrough; plus strand), TECTA (tectorin alpha; plus strand). Cytogenetic location: 11q23.3.
Variant type: single nucleotide variant.
Coding change: c.5072G>A on transcript NM_005422.4 (MANE Select); coding-DNA position 5072, G replaced by A.
Protein change: p.Cys1691Tyr; replaces cysteine 1691 with tyrosine.
Molecular consequence: missense variant.
Genome position (GRCh38, 1-based): chr11:121,162,170, G>A. VCF-style: chr11-121162170-G-A. GRCh37 (hg19) VCF-style: chr11-121032879-G-A.
Other names: c.6014G>A, p.Cys2005Tyr (NM_001378761.1); short protein forms C2005Y, C1691Y.
Identifiers: ClinVar variation 3634413 (VCV003634413.2).

ClinVar aggregate classification (germline): Uncertain significance (1 of 4 stars; one submission).

Submission:

Labcorp Genetics (formerly Invitae), Labcorp
Classification: Uncertain significance. Last evaluated: 2024-12-25. Review status: criteria provided, single submitter. Criteria: Invitae Variant Classification Sherloc (09022015). Collection method: clinical testing. Allele origin: germline.
Comment: This sequence change replaces cysteine, which is neutral and slightly polar, with tyrosine, which is neutral and polar, at codon 1691 of the TECTA protein (p.Cys1691Tyr). This variant is not present in population databases (gnomAD no frequency). This variant has not been reported in the literature in individuals affected with TECTA-related conditions. Invitae Evidence Modeling of protein sequence and biophysical properties (such as structural, functional, and spatial information, amino acid conservation, physicochemical variation, residue mobility, and thermodynamic stability) has been performed for this missense variant. However, the output from this modeling did not meet the statistical confidence thresholds required to predict the impact of this variant on TECTA protein function. In summary, the available evidence is currently insufficient to determine the role of this variant in disease. Therefore, it has been classified as a Variant of Uncertain Significance.